The following is an entry in ClinVar:

NM_016333.4(SRRM2):c.7391C>T (p.Ala2464Val)

Gene: SRRM2 (serine/arginine repetitive matrix 2; plus strand). Cytogenetic location: 16p13.3.
Variant type: single nucleotide variant.
Coding change: c.7391C>T on transcript NM_016333.4 (MANE Select); coding-DNA position 7391, C replaced by T.
Protein change: p.Ala2464Val; replaces alanine 2464 with valine.
Molecular consequence: missense variant.
Genome position (GRCh38, 1-based): chr16:2,767,919, C>T. VCF-style: chr16-2767919-C-T. GRCh37 (hg19) VCF-style: chr16-2817920-C-T.
Other names: short protein forms A2464V.
Identifiers: ClinVar variation 4689904 (VCV004689904.1).
Genomic context (GRCh38, chr16:2,767,919, plus strand): 5'-AGGATCAGCCGAGGTCTCCTGTGCCTTCTGCTTTTTCAGACCAATCCCGTTGTTTGATTG[C>T]CCAGACCACCCCTGTAGCAGGGTCTCAGTCCCTTTCCTCTGGGGCAGTGGCAACGACCAC-3'
Protein context (NP_057417.3, residues 2454-2474): AFSDQSRCLI[Ala2464Val]QTTPVAGSQS

ClinVar aggregate classification (germline): Uncertain significance (1 of 4 stars; one submission).

gnomAD v4.1: 3 of 1,614,152 alleles (0.00019%); highest among the groups gnomAD compares: Non-Finnish European, 0.00025%; no homozygotes.

Submission:

GeneDx
Classification: Uncertain significance. Last evaluated: 2025-08-01. Review status: criteria provided, single submitter. Criteria: GeneDx Variant Classification Process June 2021. Collection method: clinical testing. Allele origin: germline. Affected: yes.
Comment: In silico analysis suggests that this missense variant does not alter protein structure/function; Has not been previously published as pathogenic or benign to our knowledge